The following is an entry in ClinVar:

ClinVar aggregate classification (germline): Uncertain significance (1 of 4 stars; one submission).

Conditions:
Inborn genetic diseases. Identifiers: MedGen C0950123, MeSH D030342.

Submission:

Ambry Genetics
Classification: Uncertain significance for Inborn genetic diseases. Last evaluated: 2025-08-12. Review status: criteria provided, single submitter. Criteria: Ambry Variant Classification Scheme 2023. Collection method: clinical testing. Allele origin: germline.
Comment: The c.758T>G (p.L253R) alteration is located in exon 2 (coding exon 2) of the BPTF gene. This alteration results from a T to G substitution at nucleotide position 758, causing the leucine (L) at amino acid position 253 to be replaced by an arginine (R). This variant was not reported in population-based cohorts in the Genome Aggregation Database (gnomAD). This amino acid position is highly conserved in available vertebrate species. This missense alteration is located in a region that has a low rate of benign missense variation (Lek, 2016; Firth, 2009). This alteration is predicted to be deleterious by in silico analysis. Based on insufficient or conflicting evidence, the clinical significance of this alteration remains unclear.

NM_182641.4(BPTF):c.758T>G (p.Leu253Arg)

Gene: BPTF (bromodomain PHD finger transcription factor; plus strand). Cytogenetic location: 17q24.2.
Variant type: single nucleotide variant.
Coding change: c.758T>G on transcript NM_182641.4 (MANE Select); coding-DNA position 758, T replaced by G.
Protein change: p.Leu253Arg; replaces leucine 253 with arginine.
Molecular consequence: missense variant.
Genome position (GRCh38, 1-based): chr17:67,854,084, T>G. VCF-style: chr17-67854084-T-G. GRCh37 (hg19) VCF-style: chr17-65850200-T-G.
Other names: c.758T>G, p.Leu253Arg (NM_004459.7); short protein forms L253R.
Identifiers: ClinVar variation 3992540 (VCV003992540.2).
Genomic context (GRCh38, chr17:67,854,084, plus strand): 5'-CTGAGGATTTAATGGTGCCTAATGAGCATATAATGAATGTCATTGCCATTTACGAGGTAC[T>G]GCGGAACTTTGGCACTGTTTTGAGATTATCTCCTTTTCGCTTTGAGGACTTTTGTGCAGC-3'
Protein context (NP_872579.2, residues 243-263): IMNVIAIYEV[Leu253Arg]RNFGTVLRLS